The following is an entry in ClinVar:

NM_138420.4(AHNAK2):c.7593C>G (p.Leu2531=)

Gene: AHNAK2 (AHNAK nucleoprotein 2; minus strand). Cytogenetic location: 14q32.33.
Variant type: single nucleotide variant.
Coding change: c.7593C>G on transcript NM_138420.4 (MANE Select); coding-DNA position 7593, C replaced by G.
Protein change: p.Leu2531=; no amino-acid change (leucine 2531 retained).
Molecular consequence: synonymous variant.
Genome position (GRCh38, 1-based): chr14:104,947,858, G>C on the plus strand (C>G on the coding strand, the complement: AHNAK2 is on the minus strand). VCF-style: chr14-104947858-G-C. GRCh37 (hg19) VCF-style: chr14-105414195-G-C.
Other names: c.7293C>G, p.Leu2431= (NM_001350929.2).
Identifiers: ClinVar variation 2644722 (VCV002644722.24), dbSNP rs576960562, ClinGen allele CA7380489.

ClinVar aggregate classification (germline): Likely benign (1 of 4 stars; one submission).

Allele frequency attached by ClinVar (database versions not stated): gnomAD exomes 0.00004; ExAC 0.00006; gnomAD 0.00016; 1000 Genomes Project 0.00040; 1000 Genomes Project 30x 0.00047.
gnomAD v4.1: 92 of 1,612,590 alleles (0.0057%); highest among the groups gnomAD compares: African/African-American, 0.039%; 1 homozygote.

Submission:

CeGaT Center for Human Genetics Tuebingen
Classification: Likely benign. Last evaluated: 2023-10-01. Review status: criteria provided, single submitter. Criteria: CeGaT Center For Human Genetics Tuebingen Variant Classification Criteria Version 2. Collection method: clinical testing. Allele origin: germline. Affected: yes. Observed: 1 variant allele.
Comment: AHNAK2: BP4, BP7